The following is an entry in ClinVar:

NM_206933.4(USH2A):c.946C>T (p.Gln316Ter)

Gene: USH2A (usherin; minus strand). Cytogenetic location: 1q41.
Variant type: single nucleotide variant.
Coding change: c.946C>T on transcript NM_206933.4 (MANE Select); coding-DNA position 946, C replaced by T.
Protein change: p.Gln316Ter; replaces glutamine 316 with a stop codon.
Molecular consequence: nonsense.
Genome position (GRCh38, 1-based): chr1:216,325,502, G>A on the plus strand (C>T on the coding strand, the complement: USH2A is on the minus strand). VCF-style: chr1-216325502-G-A. GRCh37 (hg19) VCF-style: chr1-216498844-G-A.
Other names: c.946C>T, p.Gln316Ter (NM_007123.6); short protein forms Q316*.
Identifiers: ClinVar variation 2817169 (VCV002817169.4), dbSNP rs2527440357, ClinGen allele CA344912582.

ClinVar aggregate classification (germline): Pathogenic. Review status: criteria provided, single submitter (1 of 4 stars). 2 submissions from 2 submitters: Pathogenic (1). 1 of the submissions does not count toward it. Last evaluated 2023-10-04.

Conditions:
Retinal dystrophy. Also called: Inherited retinal dystrophy. Identifiers: Orphanet 71862, MedGen C0854723, MeSH D058499, MONDO:0019118, HP:0000556.

Submissions (2):

Labcorp Genetics (formerly Invitae), Labcorp
Classification: Pathogenic. Last evaluated: 2023-10-04. Review status: criteria provided, single submitter. Criteria: Invitae Variant Classification Sherloc (09022015). Collection method: clinical testing. Allele origin: germline.
Comment: This sequence change creates a premature translational stop signal (p.Gln316*) in the USH2A gene. It is expected to result in an absent or disrupted protein product. Loss-of-function variants in USH2A are known to be pathogenic (PMID: 10729113, 10909849, 20507924, 25649381). This variant is not present in population databases (gnomAD no frequency). This variant has not been reported in the literature in individuals affected with USH2A-related conditions. For these reasons, this variant has been classified as Pathogenic.

Institute of Human Genetics, Univ. Regensburg, Univ. Regensburg
Classification: Pathogenic for Retinal dystrophy. Last evaluated: 2023-01-01. Review status: no assertion criteria provided. Criteria: ACMG Guidelines, 2015. Collection method: clinical testing. Allele origin: germline. Affected: yes. Not counted in ClinVar's aggregate classification.

Literature cited by the submitters: PubMed 10729113 (cited by Labcorp Genetics (formerly Invitae), Labcorp); PubMed 10909849 (cited by Labcorp Genetics (formerly Invitae), Labcorp); PubMed 20507924 (cited by Labcorp Genetics (formerly Invitae), Labcorp); PubMed 25649381 (cited by Labcorp Genetics (formerly Invitae), Labcorp).